The following is an entry in ClinVar:

NM_016373.4(WWOX):c.1010T>C (p.Val337Ala)

Gene: WWOX (WW domain containing oxidoreductase; plus strand). Cytogenetic location: 16q23.1.
Variant type: single nucleotide variant.
Coding change: c.1010T>C on transcript NM_016373.4 (MANE Select); coding-DNA position 1010, T replaced by C.
Protein change: p.Val337Ala; replaces valine 337 with alanine.
Molecular consequence: missense variant.
Genome position (GRCh38, 1-based): chr16:78,432,706, T>C. VCF-style: chr16-78432706-T-C. GRCh37 (hg19) VCF-style: chr16-78466603-T-C.
Other names: c.671T>C, p.Val224Ala (NM_001291997.2); c.1010T>C (NM_016373.2); short protein forms V224A, V337A.
Identifiers: ClinVar variation 935376 (VCV000935376.8), dbSNP rs1170717426, ClinGen allele CA396843454.

ClinVar aggregate classification (germline): Uncertain significance. Review status: criteria provided, multiple submitters, no conflicts (2 of 4 stars). 2 submissions from 2 submitters: Uncertain significance (2). Last evaluated 2024-01-23.

Conditions:
Inborn genetic diseases. Identifiers: MedGen C0950123, MeSH D030342.
Developmental and epileptic encephalopathy, 1 (DEE1). Also called: X-linked infantile spasms; West's syndrome; Tonic spasms with clustering, arrest of psychomotor development and hypsarrhythmia on EEG; X-Linked Infantile Spasm Syndrome; OHTAHARA SYNDROME, X-LINKED; INFANTILE SPASM SYNDROME, X-LINKED 1. Identifiers: MedGen C3463992, MONDO:0010632, OMIM 308350. Disease mechanism: loss of function.
Autosomal recessive spinocerebellar ataxia 12. Also called: SPINOCEREBELLAR ATAXIA WITH MENTAL RETARDATION AND EPILEPSY. Identifiers: Orphanet 284282, MedGen C3280452, MONDO:0013687, OMIM 614322.

Allele frequency attached by ClinVar (database versions not stated): gnomAD exomes below 0.00001 and 0.00001; gnomAD 0.00001; TOPMed 0.00001.
gnomAD v4.1: 3 of 1,614,066 alleles (0.00019%); highest among the groups gnomAD compares: East Asian, 0.0067%; no homozygotes.

Submissions (2):

Ambry Genetics
Classification: Uncertain significance for Inborn genetic diseases. Last evaluated: 2024-01-23. Review status: criteria provided, single submitter. Criteria: Ambry Variant Classification Scheme 2023. Collection method: clinical testing. Allele origin: germline.

Labcorp Genetics (formerly Invitae), Labcorp
Classification: Uncertain significance for Developmental and epileptic encephalopathy, 1; Autosomal recessive spinocerebellar ataxia 12. Last evaluated: 2022-03-19. Review status: criteria provided, single submitter. Criteria: Invitae Variant Classification Sherloc (09022015). Collection method: clinical testing. Allele origin: germline.
Comment: This sequence change replaces valine, which is neutral and non-polar, with alanine, which is neutral and non-polar, at codon 337 of the WWOX protein (p.Val337Ala). This variant is present in population databases (no rsID available, gnomAD 0.01%). This variant has not been reported in the literature in individuals affected with WWOX-related conditions. ClinVar contains an entry for this variant (Variation ID: 935376). Algorithms developed to predict the effect of missense changes on protein structure and function are either unavailable or do not agree on the potential impact of this missense change (SIFT: "Not Available"; PolyPhen-2: "Benign"; Align-GVGD: "Not Available"). Algorithms developed to predict the effect of sequence changes on RNA splicing suggest that this variant may disrupt the consensus splice site. In summary, the available evidence is currently insufficient to determine the role of this variant in disease. Therefore, it has been classified as a Variant of Uncertain Significance.